The following is an entry in ClinVar:

NM_001458.5(FLNC):c.5797G>A (p.Asp1933Asn)

Genes: FLNC-AS1 (FLNC antisense RNA 1; minus strand), FLNC (filamin C; plus strand). Cytogenetic location: 7q32.1.
Variant type: single nucleotide variant.
Coding change: c.5797G>A on transcript NM_001458.5 (MANE Select); coding-DNA position 5797, G replaced by A.
Protein change: p.Asp1933Asn; replaces aspartic acid 1933 with asparagine.
Molecular consequence: missense variant.
Genome position (GRCh38, 1-based): chr7:128,851,583, G>A. VCF-style: chr7-128851583-G-A. GRCh37 (hg19) VCF-style: chr7-128491637-G-A.
Other names: c.5698G>A, p.Asp1900Asn (NM_001127487.2); short protein forms D1933N, D1900N.
Identifiers: ClinVar variation 539351 (VCV000539351.11), dbSNP rs762297336, ClinGen allele CA4475790.
Genomic context (GRCh38, chr7:128,851,583, plus strand): 5'-ACCTGCACCGTGTCCTATCTGCCGACTGCGCCTGGAGACTACAGCATCATCGTGCGCTTC[G>A]ATGACAAGCACATCCCGGGGAGCCCCTTCACAGCCAAGATCACAGGTGAGGCGGGTGTAT-3'
Protein context (NP_001449.3, residues 1923-1943): PGDYSIIVRF[Asp1933Asn]DKHIPGSPFT

ClinVar aggregate classification (germline): Uncertain significance. Review status: criteria provided, multiple submitters, no conflicts (2 of 4 stars). 2 submissions from 2 submitters: Uncertain significance (2). Last evaluated 2024-08-07.

Conditions:
Distal myopathy with posterior leg and anterior hand involvement. Also called: WILLIAMS DISTAL MYOPATHY. Identifiers: Orphanet 63273, MedGen C3279722, MONDO:0013550, OMIM 614065.
Myofibrillar myopathy 5. Also called: Filaminopathy (type); FILAMINOPATHY, AUTOSOMAL DOMINANT. Identifiers: Orphanet 171445, MedGen C1836050, MONDO:0012289, OMIM 609524.
Hypertrophic cardiomyopathy 26. Also called: Cardiomyopathy, familial hypertrophic, 26. Identifiers: Orphanet 75249, MedGen C4310749, MONDO:0014883, OMIM 617047.
Cardiovascular phenotype. Identifiers: MedGen CN230736.

gnomAD v4.1: 10 of 1,613,806 alleles (0.00062%); highest among the groups gnomAD compares: East Asian, 0.0045%; no homozygotes.

Submissions (2):

Labcorp Genetics (formerly Invitae), Labcorp
Classification: Uncertain significance for Distal myopathy with posterior leg and anterior hand involvement; Myofibrillar myopathy 5; Hypertrophic cardiomyopathy 26. Last evaluated: 2024-08-07. Review status: criteria provided, single submitter. Criteria: Invitae Variant Classification Sherloc (09022015). Collection method: clinical testing. Allele origin: germline.
Comment: This sequence change replaces aspartic acid, which is acidic and polar, with asparagine, which is neutral and polar, at codon 1933 of the FLNC protein (p.Asp1933Asn). This variant is present in population databases (rs762297336, gnomAD 0.003%). This variant has not been reported in the literature in individuals affected with FLNC-related conditions. ClinVar contains an entry for this variant (Variation ID: 539351). Advanced modeling of protein sequence and biophysical properties (such as structural, functional, and spatial information, amino acid conservation, physicochemical variation, residue mobility, and thermodynamic stability) has been performed at Invitae for this missense variant, however the output from this modeling did not meet the statistical confidence thresholds required to predict the impact of this variant on FLNC protein function. In summary, the available evidence is currently insufficient to determine the role of this variant in disease. Therefore, it has been classified as a Variant of Uncertain Significance.

Ambry Genetics
Classification: Uncertain significance for Cardiovascular phenotype. Last evaluated: 2022-11-22. Review status: criteria provided, single submitter. Criteria: Ambry Variant Classification Scheme 2023. Collection method: clinical testing. Allele origin: germline.
Comment: The p.D1933N variant (also known as c.5797G>A), located in coding exon 35 of the FLNC gene, results from a G to A substitution at nucleotide position 5797. The aspartic acid at codon 1933 is replaced by asparagine, an amino acid with highly similar properties. This amino acid position is conserved. In addition, this alteration is predicted to be tolerated by in silico analysis. Since supporting evidence is limited at this time, the clinical significance of this alteration remains unclear.